The following is an entry in ClinVar:

ClinVar aggregate classification (germline): Likely benign. Review status: criteria provided, single submitter (1 of 4 stars). 2 submissions from 2 submitters: Likely benign (1). 1 of the submissions does not count toward it. Last evaluated 2026-01-19.

Conditions:
DNAH5-related disorder. Also called: DNAH5-related condition.
Primary ciliary dyskinesia. Also called: Ciliary dyskinesia. Identifiers: Orphanet 244, MedGen C0008780, MONDO:0016575, HP:0012265.

Allele frequency attached by ClinVar (database versions not stated): TOPMed 0.00010; ExAC 0.00012; gnomAD exomes 0.00019 and 0.00008; gnomAD 0.00007; ESP Exome Variant Server 0.00008.
gnomAD v4.1: 136 of 1,613,868 alleles (0.0084%); highest among the groups gnomAD compares: Admixed American, 0.015%; no homozygotes.

Submissions (2):

Labcorp Genetics (formerly Invitae), Labcorp
Classification: Likely benign for Primary ciliary dyskinesia. Last evaluated: 2026-01-19. Review status: criteria provided, single submitter. Criteria: Invitae Variant Classification Sherloc (09022015). Collection method: clinical testing. Allele origin: germline.

PreventionGenetics, part of Exact Sciences
Classification: Likely benign for DNAH5-related condition. Last evaluated: 2023-09-19. Review status: no assertion criteria provided. Collection method: clinical testing. Allele origin: germline. Not counted in ClinVar's aggregate classification.
Comment: This variant is classified as likely benign based on ACMG/AMP sequence variant interpretation guidelines (Richards et al. 2015 PMID: 25741868, with internal and published modifications).

NM_001369.3(DNAH5):c.8482C>T (p.Arg2828Cys)

Gene: DNAH5 (dynein axonemal heavy chain 5; minus strand). Cytogenetic location: 5p15.2.
Variant type: single nucleotide variant.
Coding change: c.8482C>T on transcript NM_001369.3 (MANE Select); coding-DNA position 8482, C replaced by T.
Protein change: p.Arg2828Cys; replaces arginine 2828 with cysteine.
Molecular consequence: missense variant.
Genome position (GRCh38, 1-based): chr5:13,788,881, G>A on the plus strand (C>T on the coding strand, the complement: DNAH5 is on the minus strand). VCF-style: chr5-13788881-G-A. GRCh37 (hg19) VCF-style: chr5-13788990-G-A.
Other names: short protein forms R2828C.
Identifiers: ClinVar variation 696709 (VCV000696709.13), dbSNP rs145209155, ClinGen allele CA3202801.